The following is an entry in ClinVar:

NM_001013838.3(CARMIL2):c.2314-6C>T

Gene: CARMIL2 (capping protein regulator and myosin 1 linker 2; plus strand). Cytogenetic location: 16q22.1.
Variant type: single nucleotide variant.
Coding change: c.2314-6C>T on transcript NM_001013838.3 (MANE Select); 6 bases into the intron before coding-DNA position 2314, C replaced by T.
Molecular consequence: intron variant.
Genome position (GRCh38, 1-based): chr16:67,651,395, C>T. VCF-style: chr16-67651395-C-T. GRCh37 (hg19) VCF-style: chr16-67685298-C-T.
Other names: c.2206-6C>T (NM_001317026.3); c.2314-6C>T (NM_001013838.1).
Identifiers: ClinVar variation 1169526 (VCV001169526.12), dbSNP rs115875560, ClinGen allele CA8113766.

ClinVar aggregate classification (germline): Benign/Likely benign. Review status: criteria provided, multiple submitters, no conflicts (2 of 4 stars). 3 submissions from 3 submitters: Benign (1); Likely benign (1). 1 of the submissions does not count toward it. Last evaluated 2026-01-24.

Conditions:
CARMIL2-related disorder. Also called: CARMIL2-related condition.

Allele frequency attached by ClinVar (database versions not stated): gnomAD exomes 0.00045 and 0.00154; ExAC 0.00202; gnomAD 0.00513 and 0.00537; ESP Exome Variant Server 0.00522; TOPMed 0.00551; 1000 Genomes Project 0.00719; 1000 Genomes Project 30x 0.00859.
gnomAD v4.1: 1,480 of 1,592,660 alleles (0.093%); highest among the groups gnomAD compares: African/African-American, 1.5%; 10 homozygotes.

Submissions (3):

Labcorp Genetics (formerly Invitae), Labcorp
Classification: Benign. Last evaluated: 2026-01-24. Review status: criteria provided, single submitter. Criteria: Invitae Variant Classification Sherloc (09022015). Collection method: clinical testing. Allele origin: germline.

Blueprint Genetics
Classification: Likely benign. Last evaluated: 2024-11-21. Review status: criteria provided, single submitter. Criteria: ACMG Guidelines, 2015. Collection method: clinical testing. Allele origin: germline.

PreventionGenetics, part of Exact Sciences
Classification: Benign for CARMIL2-related condition. Last evaluated: 2019-07-11. Review status: no assertion criteria provided. Collection method: clinical testing. Allele origin: germline. Not counted in ClinVar's aggregate classification.
Comment: This variant is classified as benign based on ACMG/AMP sequence variant interpretation guidelines (Richards et al. 2015 PMID: 25741868, with internal and published modifications).